The following is an entry in ClinVar:

ClinVar aggregate classification (germline): Uncertain significance. Review status: criteria provided, multiple submitters, no conflicts (2 of 4 stars). 2 submissions from 2 submitters: Uncertain significance (2). Last evaluated 2024-11-18.

Conditions:
Transcobalamin II deficiency (TCN2D). Also called: TC II DEFICIENCY; TCN2 DEFICIENCY; Transcolabamin II deficiency. Identifiers: Orphanet 859, MedGen C0342701, MONDO:0010149, OMIM 275350.
Inborn genetic diseases. Identifiers: MedGen C0950123, MeSH D030342.

Allele frequency attached by ClinVar (database versions not stated): gnomAD 0.00001; TOPMed 0.00002.
gnomAD v4.1: 1 of 1,614,058 alleles (0.000062%); highest among the groups gnomAD compares: Admixed American, 0.0017%; no homozygotes.

Submissions (2):

Labcorp Genetics (formerly Invitae), Labcorp
Classification: Uncertain significance for Transcobalamin II deficiency. Last evaluated: 2024-11-18. Review status: criteria provided, single submitter. Criteria: Invitae Variant Classification Sherloc (09022015). Collection method: clinical testing. Allele origin: germline.
Comment: This sequence change replaces alanine, which is neutral and non-polar, with threonine, which is neutral and polar, at codon 311 of the TCN2 protein (p.Ala311Thr). This variant is not present in population databases (gnomAD no frequency). This variant has not been reported in the literature in individuals affected with TCN2-related conditions. ClinVar contains an entry for this variant (Variation ID: 1008879). An algorithm developed to predict the effect of missense changes on protein structure and function outputs the following: PolyPhen-2: "Benign". The threonine amino acid residue is found in multiple mammalian species, which suggests that this missense change does not adversely affect protein function. In summary, the available evidence is currently insufficient to determine the role of this variant in disease. Therefore, it has been classified as a Variant of Uncertain Significance.

Ambry Genetics
Classification: Uncertain significance for Inborn genetic diseases. Last evaluated: 2023-10-24. Review status: criteria provided, single submitter. Criteria: Ambry Variant Classification Scheme 2023. Collection method: clinical testing. Allele origin: germline.

NM_000355.4(TCN2):c.931G>A (p.Ala311Thr)

Gene: TCN2 (transcobalamin 2; plus strand). Cytogenetic location: 22q12.2.
Variant type: single nucleotide variant.
Coding change: c.931G>A on transcript NM_000355.4 (MANE Select); coding-DNA position 931, G replaced by A.
Protein change: p.Ala311Thr; replaces alanine 311 with threonine.
Molecular consequence: missense variant.
Genome position (GRCh38, 1-based): chr22:30,615,778, G>A. VCF-style: chr22-30615778-G-A. GRCh37 (hg19) VCF-style: chr22-31011765-G-A.
Other names: c.850G>A, p.Ala284Thr (NM_001184726.2); c.931G>A (NM_000355.3); short protein forms A284T, A311T.
Identifiers: ClinVar variation 1008879 (VCV001008879.5), dbSNP rs2087605207, ClinGen allele CA411213798.